The following is an entry in ClinVar:

NM_006767.4(LZTR1):c.263+1del

Gene: LZTR1 (leucine zipper like post translational regulator 1; plus strand). Cytogenetic location: 22q11.21.
Variant type: Deletion.
Coding change: c.263+1del on transcript NM_006767.4 (MANE Select); the canonical splice donor site of the intron after coding-DNA position 263, one base deleted (G; older notation c.263+1delG).
Molecular consequence: splice donor variant.
Genome position (GRCh38, 1-based): chr22:20,983,090, G deleted; the last of 3 consecutive G bases (chr22:20,983,088-20,983,090); deleting any one gives the same sequence. VCF-style (leftmost placement, unchanged base first): chr22-20983087-TG-T. GRCh37 (hg19) VCF-style: chr22-21337376-TG-T.
Other names: c.263+1delG (NM_006767.3).
Identifiers: ClinVar variation 1072895 (VCV001072895.8), dbSNP rs1924258572, ClinGen allele CA1024236079.

ClinVar aggregate classification (germline): Pathogenic/Likely pathogenic. Review status: criteria provided, multiple submitters, no conflicts (2 of 4 stars). 2 submissions from 2 submitters: Pathogenic (1); Likely pathogenic (1). Last evaluated 2024-01-30.

Conditions:
Hereditary cancer-predisposing syndrome. Also called: Tumor predisposition; Hereditary neoplastic syndrome; Neoplastic Syndromes, Hereditary; Hereditary Cancer Syndrome. Identifiers: Orphanet 140162, MedGen C0027672, MeSH D009386, MONDO:0015356.
Cardiovascular phenotype. Identifiers: MedGen CN230736.

Submissions (2):

Ambry Genetics
Classification: Likely pathogenic for Cardiovascular phenotype; Hereditary cancer-predisposing syndrome. Last evaluated: 2024-01-30. Review status: criteria provided, single submitter. Criteria: Ambry Variant Classification Scheme 2023. Collection method: clinical testing. Allele origin: germline.
Comment: The c.263+1delG intronic variant, located in intron 2 of the LZTR1 gene, results from a deletion of one nucleotide within intron 2 of the LZTR1 gene. In silico splice site analysis predicts that this alteration will weaken the native splice donor site and will result in the creation or strengthening of a novel splice donor site. RNA studies have demonstrated that this alteration results in abnormal splicing in the set of samples tested (Ambry internal data). This variant is considered to be rare based on population cohorts in the Genome Aggregation Database (gnomAD). Loss-of-function variants in LZTR1 are related to an increased risk for schwannomas and autosomal recessive Noonan syndrome; however, such associations with autosomal dominant Noonan syndrome have not been observed (Piotrowski A et al. Nat Genet. 2014 Feb;46:182-7; Yamamoto GL et al. J Med Genet. 2015 Jun;52:413-21; Johnston JJ et al. Genet Med. 2018 10;20:1175-1185). Based on the supporting evidence, this variant is likely pathogenic for an increased risk of LZTR1-related schwannomatosis (SWN) and would be expected to cause autosomal recessive Noonan syndrome when present along with a second pathogenic or likely pathogenic variant on the other allele; however, the association of this alteration with autosomal dominant Noonan syndrome is unlikely.

Labcorp Genetics (formerly Invitae), Labcorp
Classification: Pathogenic. Last evaluated: 2020-03-04. Review status: criteria provided, single submitter. Criteria: Invitae Variant Classification Sherloc (09022015). Collection method: clinical testing. Allele origin: germline.
Comment: This sequence change creates a premature translational stop signal (p.Lys89Argfs*12) in the LZTR1 gene. It is expected to result in an absent or disrupted protein product. This variant is not present in population databases (ExAC no frequency). This variant has not been reported in the literature in individuals with LZTR1-related conditions. Algorithms developed to predict the effect of sequence changes on RNA splicing suggest that this variant may disrupt the consensus splice site, but this prediction has not been confirmed by published transcriptional studies. Loss-of-function variants in LZTR1 are known to be pathogenic (PMID: 24362817, 25335493, 25480913, 29469822, 30442762, 30859559). For these reasons, this variant has been classified as Pathogenic.

Literature cited by the submitters: PubMed 24362817 (cited by Labcorp Genetics (formerly Invitae), Labcorp); PubMed 25335493 (cited by Labcorp Genetics (formerly Invitae), Labcorp); PubMed 25480913 (cited by Labcorp Genetics (formerly Invitae), Labcorp); PubMed 29469822 (cited by Labcorp Genetics (formerly Invitae), Labcorp); PubMed 30442762 (cited by Labcorp Genetics (formerly Invitae), Labcorp); PubMed 30859559 (cited by Labcorp Genetics (formerly Invitae), Labcorp).